The following is an entry in ClinVar:

ClinVar aggregate classification (germline): Uncertain significance (1 of 4 stars; one submission).

Conditions:
Kabuki syndrome. Also called: NIIKAWA-KUROKI SYNDROME; Kabuki make-up syndrome. Identifiers: Orphanet 2322, MedGen C0796004, MONDO:0016512.

Submission:

Labcorp Genetics (formerly Invitae), Labcorp
Classification: Uncertain significance for Kabuki syndrome. Last evaluated: 2023-04-15. Review status: criteria provided, single submitter. Criteria: Invitae Variant Classification Sherloc (09022015). Collection method: clinical testing. Allele origin: germline.
Comment: This variant, c.11223_11231del, results in the deletion of 3 amino acid(s) of the KMT2D protein (p.Gln3743_Gln3745del), but otherwise preserves the integrity of the reading frame. This variant is not present in population databases (gnomAD no frequency). This variant has not been reported in the literature in individuals affected with KMT2D-related conditions. Experimental studies and prediction algorithms are not available or were not evaluated, and the functional significance of this variant is currently unknown. In summary, the available evidence is currently insufficient to determine the role of this variant in disease. Therefore, it has been classified as a Variant of Uncertain Significance.

NM_003482.4(KMT2D):c.11223_11231del (p.Gln3743_Gln3745del)

Gene: KMT2D (lysine methyltransferase 2D; minus strand). Cytogenetic location: 12q13.12.
Variant type: Deletion.
Coding change: c.11223_11231del on transcript NM_003482.4 (MANE Select); coding-DNA positions 11223 to 11231, 9 bases deleted (ACAGCAGCA; older notation c.11223_11231delACAGCAGCA).
Protein change: p.Gln3743_Gln3745del.
Molecular consequence: inframe deletion.
Genome position (GRCh38, 1-based): chr12:49,033,474-49,033,482, TGCTGCTGT deleted on the plus strand (ACAGCAGCA on the coding strand, the reverse complement: KMT2D is on the minus strand); deleting any 9 consecutive bases within chr12:49,033,474-49,033,490 gives the same sequence; the c. name uses the placement nearest the transcript's 3' end. VCF-style (leftmost placement, unchanged base first): chr12-49033473-CTGCTGCTGT-C. GRCh37 (hg19) VCF-style: chr12-49427256-CTGCTGCTGT-C.
Identifiers: ClinVar variation 2882236 (VCV002882236.3), dbSNP rs2498364582, ClinGen allele CA2618607861.